The following continues an entry in ClinVar:

NM_007294.4(BRCA1):c.5506G>A (p.Glu1836Lys)

Gene: BRCA1. ClinVar aggregate classification (germline): Conflicting classifications of pathogenicity. Uncertain significance (9); Benign (1); Likely benign (1).

Submissions 6 to 14 of 14:

Baylor Genetics
Classification: Uncertain significance for Breast-ovarian cancer, familial, susceptibility to, 1. Last evaluated: 2024-03-01. Review status: criteria provided, single submitter. Criteria: ACMG Guidelines, 2015. Collection method: clinical testing. Allele origin: unknown.

All of Us Research Program, National Institutes of Health
Classification: Uncertain significance for Breast-ovarian cancer, familial, susceptibility to, 1. Last evaluated: 2023-12-01. Review status: criteria provided, single submitter. Criteria: ACMG Guidelines, 2015. Collection method: clinical testing. Allele origin: germline. Inheritance: Autosomal dominant inheritance. Observed: 1 variant allele, 1 heterozygote.
Comment: This missense variant replaces glutamic acid with lysine at codon 1836 of the BRCA1 protein. Computational prediction tool is inconclusive regarding the impact of this variant on protein structure and function (internally defined REVEL score threshold 0.5 < inconclusive < 0.7, PMID: 27666373). Functional studies have reported discrepant findings on variant protein impacts, including modest (PMID: 21473589) to severe disruption (PMID: 20516115) in phosphopeptide binding activity, greater than 50% of wild-type transcriptional activation (PMID: 20516115), and normal function in complementing BRCA1 deficiency and rescue cell proliferation in haploid cells (PMID: 30209399). To our knowledge, this variant has not been reported in individuals affected with hereditary cancer in the literature. This variant has been identified in 2/251336 chromosomes in the general population by the Genome Aggregation Database (gnomAD). Available evidence is insufficient to determine the role of this variant in disease conclusively. Therefore, this variant is classified as a Variant of Uncertain Significance.

This study involves interpretation of variants in research participants for the purpose of population health screening. Participant phenotype was not available at the time of variant classification. Additional details can be found in publication PMID: 35346344, PMCID: PMC8962531

Color Diagnostics, LLC DBA Color Health
Classification: Uncertain significance for Hereditary cancer-predisposing syndrome. Last evaluated: 2023-06-28. Review status: criteria provided, single submitter. Criteria: ACMG Guidelines, 2015. Collection method: clinical testing. Allele origin: germline.
Comment: This missense variant replaces glutamic acid with lysine at codon 1836 of the BRCA1 protein. Computational prediction tool is inconclusive regarding the impact of this variant on protein structure and function (internally defined REVEL score threshold 0.5 < inconclusive < 0.7, PMID: 27666373). Functional studies have reported discrepant findings on variant protein impacts, including modest (PMID: 21473589) to severe disruption (PMID: 20516115) in phosphopeptide binding activity, greater than 50% of wild-type transcriptional activation (PMID: 20516115), and normal function in complementing BRCA1 deficiency and rescue cell proliferation in haploid cells (PMID: 30209399). To our knowledge, this variant has not been reported in individuals affected with hereditary cancer in the literature. This variant has been identified in 2/251336 chromosomes in the general population by the Genome Aggregation Database (gnomAD). Available evidence is insufficient to determine the role of this variant in disease conclusively. Therefore, this variant is classified as a Variant of Uncertain Significance.

GeneDx
Classification: Uncertain significance. Last evaluated: 2023-06-02. Review status: criteria provided, single submitter. Criteria: GeneDx Variant Classification Process June 2021. Collection method: clinical testing. Allele origin: germline. Affected: yes.
Comment: Not observed at significant frequency in large population cohorts (gnomAD); In silico analysis supports that this missense variant has a deleterious effect on protein structure/function; Published functional studies are inconclusive: discrepant phosphopeptide binding and transcriptional activation activity, but normal protein folding, homologous recombination activity, and cell survival (Lee et al., 2010; Coquelle et al., 2011; Carvalho et al., 2014; Woods et al., 2016; Findlay et al., 2018; Fernandes et al., 2019; Petitalot et al., 2019; Iversen et al., 2022); Also known as 5625G>A; This variant is associated with the following publications: (PMID: 20159462, 14534301, 24845084, 30209399, 22154951, 28781887, 30765603, 30257991, 21473589, 20516115, 36530327, 29884841, 32377563, 35665744, 25348405)

CHEO Genetics Diagnostic Laboratory, Children's Hospital of Eastern Ontario
Classification: Uncertain significance for Breast and/or ovarian cancer. Last evaluated: 2022-09-02. Review status: criteria provided, single submitter. Criteria: ACMG Guidelines, 2015. Collection method: clinical testing. Allele origin: germline.

Department of Pathology and Laboratory Medicine, Sinai Health System
Classification: Uncertain significance for Familial cancer of breast; Breast-ovarian cancer, familial, susceptibility to, 1; Fanconi anemia, complementation group S. Last evaluated: 2019-10-16. Review status: criteria provided, single submitter. Criteria: ACMG Guidelines, 2015. Collection method: clinical testing. Allele origin: germline. Affected: yes.

Foulkes Cancer Genetics LDI, Lady Davis Institute for Medical Research
Classification: Likely benign for Breast and/or ovarian cancer. Last evaluated: 2013-06-20. Review status: no assertion criteria provided. Collection method: clinical testing. Allele origin: germline. Study: The Canadian Open Genetics Repository (COGR). Not counted in ClinVar's aggregate classification.

Breast Cancer Information Core (BIC) (BRCA1)
Classification: Uncertain significance for Breast-ovarian cancer, familial 1. Last evaluated: 2004-11-25. Review status: no assertion criteria provided. Collection method: clinical testing. Allele origin: germline. Affected: yes. Observed: 1 variant allele. Not counted in ClinVar's aggregate classification.

Brotman Baty Institute, University of Washington
No classification provided (evidence only). Condition: Breast-ovarian cancer, familial 1. Review status: no classification provided. Collection method: in vitro. Allele origin: not applicable. Functional consequence: functionally_normal. Not counted in ClinVar's aggregate classification.
ClinVar note: "not provided" was previously submitted as the classification for the variant. However, the classification appeared to be based only on an observation of functional data so it was converted to no classification on 2025-07-30.

Literature cited by the submitters: PubMed 25085752 (cited by Myriad Genetics, Inc.); PubMed 14534301 (cited by Ambry Genetics); PubMed 20159462 (cited by Ambry Genetics); PubMed 20516115 (cited by 6 submitters); PubMed 21473589 (cited by 5 submitters); PubMed 24845084 (cited by 4 submitters); PubMed 30209399 (cited by 5 submitters); PubMed 30765603 (cited by Labcorp Genetics (formerly Invitae), Labcorp); PubMed 39142283 (cited by Lupski Lab, Baylor-Hopkins CMG, Baylor College of Medicine); PubMed 34793697 (cited by Lupski Lab, Baylor-Hopkins CMG, Baylor College of Medicine); DOI 10.1101/2024.04.11.24305690 (cited by Lupski Lab, Baylor-Hopkins CMG, Baylor College of Medicine); PubMed 30257991 (cited by Department of Pathology and Laboratory Medicine, Sinai Health System).